The following is an entry in ClinVar:

NC_000001.10:g.(?_103481204)_(103481318_?)del

Gene: COL11A1 (collagen type XI alpha 1 chain; minus strand). Cytogenetic location: 1p21.1.
Variant type: Deletion.
Identifiers: ClinVar variation 3247916 (VCV003247916.1).

ClinVar aggregate classification (germline): Uncertain significance (1 of 4 stars; one submission).

Submission:

Labcorp Genetics (formerly Invitae), Labcorp
Classification: Uncertain significance. Last evaluated: 2023-11-27. Review status: criteria provided, single submitter. Criteria: Invitae Variant Classification Sherloc (09022015). Collection method: clinical testing. Allele origin: unknown.
Comment: This variant is a gross deletion of the genomic region encompassing exon(s) 12 of the COL11A1 gene. This variant would be expected to be in-frame, preserving the integrity of the reading frame. This variant has not been reported in the literature in individuals affected with COL11A1-related conditions. Experimental studies and prediction algorithms are not available or were not evaluated, and the functional significance of this variant is currently unknown. In summary, the available evidence is currently insufficient to determine the role of this variant in disease. Therefore, it has been classified as a Variant of Uncertain Significance.